The following is an entry in ClinVar:

ClinVar aggregate classification (germline): Uncertain significance (1 of 4 stars; one submission).

Submission:

GeneDx
Classification: Uncertain significance. Last evaluated: 2017-10-25. Review status: criteria provided, single submitter. Criteria: GeneDx Variant Classification (06012015). Collection method: clinical testing. Allele origin: germline. Affected: yes.
Comment: The K68N variant in the NONO gene has not been reported previously as a pathogenic variant, nor as a benign variant, to our knowledge. The K68N variant is not observed in large population cohorts (Lek et al., 2016). The K68N variant is a semi-conservative amino acid substitution, which may impact secondary protein structure as these residues differ in some properties. This substitution occurs at a position that is conserved across species, and in silico analysis predicts this variant is probably damaging to the protein structure/function. We interpret K68N as a variant of uncertain significance.

NM_007363.5(NONO):c.204G>T (p.Lys68Asn)

Gene: NONO (non-POU domain containing octamer binding; plus strand). Cytogenetic location: Xq13.1.
Variant type: single nucleotide variant.
Coding change: c.204G>T on transcript NM_007363.5 (MANE Select); coding-DNA position 204, G replaced by T.
Protein change: p.Lys68Asn; replaces lysine 68 with asparagine.
Molecular consequence: missense variant. On other transcripts: 5 prime UTR variant (1).
Genome position (GRCh38, 1-based): chrX:71,291,828, G>T. VCF-style: chrX-71291828-G-T. GRCh37 (hg19) VCF-style: chrX-70511678-G-T.
Other names: c.204G>T, p.Lys68Asn (NM_001145408.2, NM_001145409.2); c.-64G>T (NM_001145410.2); short protein forms K68N.
Identifiers: ClinVar variation 452775 (VCV000452775.2), dbSNP rs1555949212, ClinGen allele CA413538680.